The following is an entry in ClinVar:

NM_022464.5(SIL1):c.1193T>C (p.Leu398Pro)

Gene: SIL1 (SIL1 nucleotide exchange factor; minus strand). Cytogenetic location: 5q31.2.
Variant type: single nucleotide variant.
Coding change: c.1193T>C on transcript NM_022464.5 (MANE Select); coding-DNA position 1193, T replaced by C.
Protein change: p.Leu398Pro; replaces leucine 398 with proline.
Molecular consequence: missense variant.
Genome position (GRCh38, 1-based): chr5:138,947,310, A>G on the plus strand (T>C on the coding strand, the complement: SIL1 is on the minus strand). VCF-style: chr5-138947310-A-G. GRCh37 (hg19) VCF-style: chr5-138282999-A-G.
Other names: c.1193T>C, p.Leu398Pro (NM_001037633.2); short protein forms L398P.
Identifiers: ClinVar variation 424547 (VCV000424547.3), dbSNP rs1064797034, ClinGen allele CA16618119.
Genomic context (GRCh38, chr5:138,947,310, plus strand): 5'-AGCTGGGGGTCCTGACGGTAGCGGTCCCGGCAGGTGGTCAGGAGGACGCCCAGTGTCTGC[A>G]GCACCTTCTCACGGGCATCATGCTCGGGCAGCGCCAGGAGGTGGGCCGTGATCTCGCACC-3'
Protein context (NP_071909.1, residues 388-408): LPEHDAREKV[Leu398Pro]QTLGVLLTTC

ClinVar aggregate classification (germline): Uncertain significance (1 of 4 stars; one submission).

Submission:

GeneDx
Classification: Uncertain significance. Last evaluated: 2026-02-07. Review status: criteria provided, single submitter. Criteria: GeneDx Variant Classification Process June 2021. Collection method: clinical testing. Allele origin: germline. Affected: yes.
Comment: Not observed at significant frequency in large population cohorts (gnomAD); In silico analysis supports that this missense variant has a deleterious effect on protein structure/function; Has not been previously published as pathogenic or benign to our knowledge